The following is an entry in ClinVar:

NM_001372076.1(PAX9):c.516G>A (p.Lys172=)

Gene: PAX9 (paired box 9; plus strand). Cytogenetic location: 14q13.3.
Variant type: single nucleotide variant.
Coding change: c.516G>A on transcript NM_001372076.1 (MANE Select); coding-DNA position 516, G replaced by A.
Protein change: p.Lys172=; no amino-acid change (lysine 172 retained).
Molecular consequence: synonymous variant.
Genome position (GRCh38, 1-based): chr14:36,663,408, G>A. VCF-style: chr14-36663408-G-A. GRCh37 (hg19) VCF-style: chr14-37132613-G-A.
Other names: c.516G>A, p.Lys172= (NM_006194.4).
Identifiers: ClinVar variation 313168 (VCV000313168.45), dbSNP rs61734510, ClinGen allele CA7158983.

ClinVar aggregate classification (germline): Benign/Likely benign. Review status: criteria provided, multiple submitters, no conflicts (2 of 4 stars). 4 submissions from 4 submitters: Benign (2); Likely benign (2). Last evaluated 2026-01-26.

Conditions:
Hypodontia. Also called: Partial congenital absence of teeth; Tooth agenesis, selective. Identifiers: Orphanet 99798, MedGen C0020608, MONDO:0005486, HP:0000668. Disease mechanism: loss of function.
Tooth agenesis, selective, 3 (STHAG3). Also called: HYPODONTIA/OLIGODONTIA 3. Identifiers: Orphanet 99798, MedGen C1970291, MONDO:0011477, OMIM 604625. Disease mechanism: loss of function.

Allele frequency attached by ClinVar (database versions not stated): 1000 Genomes Project 30x 0.00578; 1000 Genomes Project 0.00579; gnomAD exomes 0.00675; ExAC 0.00703; gnomAD 0.00927 and 0.00976; TOPMed 0.00984; ESP Exome Variant Server 0.01055.
gnomAD v4.1: 14,162 of 1,613,250 alleles (0.88%); highest among the groups gnomAD compares: African/African-American, 1.6%; 99 homozygotes.

Submissions (4):

Labcorp Genetics (formerly Invitae), Labcorp
Classification: Benign for Hypodontia. Last evaluated: 2026-01-26. Review status: criteria provided, single submitter. Criteria: Invitae Variant Classification Sherloc (09022015). Collection method: clinical testing. Allele origin: germline.

CeGaT Center for Human Genetics Tuebingen
Classification: Benign. Last evaluated: 2022-09-01. Review status: criteria provided, single submitter. Criteria: CeGaT Center For Human Genetics Tuebingen Variant Classification Criteria Version 2. Collection method: clinical testing. Allele origin: germline. Affected: yes. Observed: 1 variant allele.
Comment: PAX9: BP4, BS1, BS2

Illumina Laboratory Services, Illumina
Classification: Likely benign for Tooth agenesis, selective, 3. Last evaluated: 2018-01-13. Review status: criteria provided, single submitter. Criteria: ICSL Variant Classification Criteria 13 December 2019. Collection method: clinical testing. Allele origin: germline.
Comment: This variant was observed in the ICSL laboratory as part of a predisposition screen in an ostensibly healthy population. It had not been previously curated by ICSL or reported in the Human Gene Mutation Database (HGMD: prior to June 1st, 2018), and was therefore a candidate for classification through an automated scoring system. Utilizing variant allele frequency, disease prevalence and penetrance estimates, and inheritance mode, an automated score was calculated to assess if this variant is too frequent to cause the disease. Based on the score and internal cut-off values, a variant classified as likely benign is not then subjected to further curation. The score for this variant resulted in a classification of likely benign for this disease.

Breakthrough Genomics
Classification: Likely benign. Review status: criteria provided, single submitter. Criteria: ACMG Guidelines, 2015. Collection method: not provided. Allele origin: germline. Inheritance: Autosomal dominant inheritance. Affected: yes.